The following is an entry in ClinVar:

NM_004946.3(DOCK2):c.906C>G (p.Val302=)

Genes: DOCK2 (dedicator of cytokinesis 2; plus strand), LOC126807589 (BRD4-independent group 4 enhancer GRCh37_chr5:169122482-169123681; plus strand). Cytogenetic location: 5q35.1.
Variant type: single nucleotide variant.
Coding change: c.906C>G on transcript NM_004946.3 (MANE Select); coding-DNA position 906, C replaced by G.
Protein change: p.Val302=; no amino-acid change (valine 302 retained).
Molecular consequence: synonymous variant. On other transcripts: non-coding transcript variant (1).
Genome position (GRCh38, 1-based): chr5:169,695,865, C>G. VCF-style: chr5-169695865-C-G. GRCh37 (hg19) VCF-style: chr5-169122869-C-G.
Identifiers: ClinVar variation 1108876 (VCV001108876.11), dbSNP rs146489287, ClinGen allele CA3553298.

ClinVar aggregate classification (germline): Likely benign. Review status: criteria provided, multiple submitters, no conflicts (2 of 4 stars). 2 submissions from 2 submitters: Likely benign (2). Last evaluated 2026-06-01.

Conditions:
DOCK2 deficiency. Also called: Immunodeficiency 40. Identifiers: Orphanet 447737, MedGen C4225328, MONDO:0014637, OMIM 616433.

gnomAD v4.1: 128 of 1,613,806 alleles (0.0079%); highest among the groups gnomAD compares: Admixed American, 0.21%; no homozygotes.

Submissions (2):

CeGaT Center for Human Genetics Tuebingen
Classification: Likely benign. Last evaluated: 2026-06-01. Review status: criteria provided, single submitter. Criteria: CeGaT Center For Human Genetics Tuebingen Variant Classification Criteria Version 2. Collection method: clinical testing. Allele origin: germline. Affected: yes. Observed: 1 variant allele.
Comment: DOCK2: BP4, BP7

Labcorp Genetics (formerly Invitae), Labcorp
Classification: Likely benign for DOCK2 deficiency. Last evaluated: 2026-01-06. Review status: criteria provided, single submitter. Criteria: Invitae Variant Classification Sherloc (09022015). Collection method: clinical testing. Allele origin: germline.